The following is an entry in ClinVar:

ClinVar aggregate classification (germline): Uncertain significance. Review status: criteria provided, multiple submitters, no conflicts (2 of 4 stars). 2 submissions from 2 submitters: Uncertain significance (2). Last evaluated 2026-04-09.

Conditions:
Hereditary cancer-predisposing syndrome. Also called: Neoplastic Syndromes, Hereditary; Tumor predisposition; Hereditary Cancer Syndrome; Hereditary neoplastic syndrome. Identifiers: Orphanet 140162, MedGen C0027672, MeSH D009386, MONDO:0015356.

Submissions (2):

Ambry Genetics
Classification: Uncertain significance for Hereditary cancer-predisposing syndrome. Last evaluated: 2026-04-09. Review status: criteria provided, single submitter. Criteria: Ambry Variant Classification Scheme 2023. Collection method: clinical testing. Allele origin: germline.
Comment: The p.E675K variant (also known as c.2023G>A), located in coding exon 12 of the PMS2 gene, results from a G to A substitution at nucleotide position 2023. The glutamic acid at codon 675 is replaced by lysine, an amino acid with similar properties. This amino acid position is not well conserved in available vertebrate species. In addition, the in silico prediction for this alteration is inconclusive. Based on the available evidence, the clinical significance of this variant remains unclear.

Women's Health and Genetics/Laboratory Corporation of America, LabCorp
Classification: Uncertain significance. Last evaluated: 2025-07-14. Review status: criteria provided, single submitter. Criteria: LabCorp Variant Classification Summary - May 2015. Collection method: clinical testing. Allele origin: germline.
Comment: Variant summary: PMS2 c.2023G>A (p.Glu675Lys) results in a conservative amino acid change in the encoded protein sequence. Algorithms developed to predict the effect of missense changes on protein structure and function are either unavailable or do not agree on the potential impact of this missense change. The variant was absent in 168686 control chromosomes. The available data on variant occurrences in the general population are insufficient to allow any conclusion about variant significance. To our knowledge, no occurrence of c.2023G>A in individuals affected with PMS2-related conditions and no experimental evidence demonstrating its impact on protein function have been reported. The following publication have been ascertained in the context of this evaluation (PMID: 36165864). No submitters have cited clinical-significance assessments for this variant to ClinVar. Based on the evidence outlined above, the variant was classified as uncertain significance.

Literature cited by the submitters: PubMed 36165864 (cited by Women's Health and Genetics/Laboratory Corporation of America, LabCorp).

NM_000535.7(PMS2):c.2023G>A (p.Glu675Lys)

Gene: PMS2 (PMS1 homolog 2, mismatch repair system component; minus strand). Cytogenetic location: 7p22.1.
Variant type: single nucleotide variant.
Coding change: c.2023G>A on transcript NM_000535.7 (MANE Select); coding-DNA position 2023, G replaced by A.
Protein change: p.Glu675Lys; replaces glutamic acid 675 with lysine.
Molecular consequence: missense variant. On other transcripts: non-coding transcript variant (1), intron variant (4).
Genome position (GRCh38, 1-based): chr7:5,982,975, C>T on the plus strand (G>A on the coding strand, the complement: PMS2 is on the minus strand). VCF-style: chr7-5982975-C-T. GRCh37 (hg19) VCF-style: chr7-6022606-C-T.
Other names: c.1618G>A, p.Glu540Lys (NM_001322003.2, NM_001322004.2, NM_001322005.2 and 14 more transcripts); c.1867G>A, p.Glu623Lys (NM_001322006.2, NM_001406870.1); c.1705G>A, p.Glu569Lys (NM_001322007.2, NM_001322008.2, NM_001406883.1 and 1 more transcripts); c.1462G>A, p.Glu488Lys (NM_001322010.2, NM_001406906.1, NM_001406907.1); c.1090G>A, p.Glu364Lys (NM_001322011.2, NM_001322012.2); c.1450G>A, p.Glu484Lys (NM_001322013.2, NM_001406909.1); c.2023G>A, p.Glu675Lys (NM_001322014.2, NM_001406871.1); c.1714G>A, p.Glu572Lys (NM_001322015.2, NM_001406875.1, NM_001406877.1 and 5 more transcripts); and 16 more; short protein forms E517K, E553K, E623K, E737K, E418K, E484K, E504K, E619K.
Identifiers: ClinVar variation 4525941 (VCV004525941.2).